The following is an entry in ClinVar:

NM_014314.4(RIGI):c.2380C>T (p.Gln794Ter)

Genes: RIGI (RNA sensor RIG-I; minus strand), LOC101060445 (uncharacterized LOC101060445; plus strand). Cytogenetic location: 9p21.1.
Variant type: single nucleotide variant.
Coding change: c.2380C>T on transcript NM_014314.4 (MANE Select); coding-DNA position 2380, C replaced by T.
Protein change: p.Gln794Ter; replaces glutamine 794 with a stop codon.
Molecular consequence: nonsense.
Genome position (GRCh38, 1-based): chr9:32,459,472, G>A on the plus strand (C>T on the coding strand, the complement: RIGI is on the minus strand). VCF-style: chr9-32459472-G-A. GRCh37 (hg19) VCF-style: chr9-32459470-G-A.
Other names: c.1771C>T, p.Gln591Ter (NM_001385912.1); c.2365C>T, p.Gln789Ter (NM_001385913.1); c.1936C>T, p.Gln646Ter (NM_001385914.1); c.2374C>T, p.Gln792Ter (NM_001385907.1); c.2209C>T, p.Gln737Ter (NM_001385909.1); c.1939C>T, p.Gln647Ter (NM_001385910.1); short protein forms Q646*, Q789*, Q792*, Q794*, Q591*, Q737*, Q647*.
Identifiers: ClinVar variation 2990988 (VCV002990988.3), dbSNP rs760856237, ClinGen allele CA5019506.

ClinVar aggregate classification (germline): Uncertain significance (1 of 4 stars; one submission).

Allele frequency attached by ClinVar (database versions not stated): gnomAD exomes 0.00001; TOPMed below 0.00001; ExAC 0.00002.
gnomAD v4.1: 12 of 1,612,662 alleles (0.00074%); highest among the groups gnomAD compares: Admixed American, 0.0067%; no homozygotes.

Submission:

Labcorp Genetics (formerly Invitae), Labcorp
Classification: Uncertain significance. Last evaluated: 2025-05-12. Review status: criteria provided, single submitter. Criteria: Invitae Variant Classification Sherloc (09022015). Collection method: clinical testing. Allele origin: germline.
Comment: This sequence change creates a premature translational stop signal (p.Gln794*) in the DDX58 gene. It is expected to result in an absent or disrupted protein product. However, the current clinical and genetic evidence is not sufficient to establish whether loss-of-function variants in DDX58 cause disease. This variant is present in population databases (rs760856237, gnomAD 0.01%). This variant has not been reported in the literature in individuals affected with DDX58-related conditions. ClinVar contains an entry for this variant (Variation ID: 2990988). In summary, the available evidence is currently insufficient to determine the role of this variant in disease. Therefore, it has been classified as a Variant of Uncertain Significance.